The following is an entry in ClinVar:

NM_145200.5(CABP4):c.541+7C>G

Gene: CABP4 (calcium binding protein 4; plus strand). Cytogenetic location: 11q13.2.
Variant type: single nucleotide variant.
Coding change: c.541+7C>G on transcript NM_145200.5 (MANE Select); 7 bases into the intron after coding-DNA position 541, C replaced by G.
Molecular consequence: intron variant.
Genome position (GRCh38, 1-based): chr11:67,456,449, C>G. VCF-style: chr11-67456449-C-G. GRCh37 (hg19) VCF-style: chr11-67223920-C-G.
Other names: c.226+7C>G (NM_001379183.1, NM_001300896.3, NM_001300895.3).
Identifiers: ClinVar variation 305654 (VCV000305654.17), dbSNP rs1638564, ClinGen allele CA6140250.

ClinVar aggregate classification (germline): Benign. Review status: criteria provided, multiple submitters, no conflicts (2 of 4 stars). 6 submissions from 6 submitters: Benign (6). Last evaluated 2025-08-18.

Conditions:
Cone-rod synaptic disorder, congenital nonprogressive. Also called: NIGHT BLINDNESS, CONGENITAL STATIONARY, INCOMPLETE, AUTOSOMAL RECESSIVE. Identifiers: Orphanet 215, MedGen C4041558, MONDO:0012490, OMIM 610427.

Allele frequency attached by ClinVar (database versions not stated): gnomAD 0.53792 and 0.52431; TOPMed 0.55095; ESP Exome Variant Server 0.27371; gnomAD exomes 0.42895 and 0.42972; ExAC 0.42906; 1000 Genomes Project 0.50659; 1000 Genomes Project 30x 0.52327.
gnomAD v4.1: 703,716 of 1,607,640 alleles (44%); highest among the groups gnomAD compares: African/African-American, 81%; 162,322 homozygotes.

Submissions (11):

Labcorp Genetics (formerly Invitae), Labcorp
Classification: Benign. Last evaluated: 2025-08-18. Review status: criteria provided, single submitter. Criteria: Invitae Variant Classification Sherloc (09022015). Collection method: clinical testing. Allele origin: germline.

Blueprint Genetics
Classification: Benign. Last evaluated: 2024-11-27. Review status: criteria provided, single submitter. Criteria: ACMG Guidelines, 2015. Collection method: clinical testing. Allele origin: germline.

Genome-Nilou Lab
Classification: Benign for Cone-rod synaptic disorder, congenital nonprogressive. Last evaluated: 2021-07-14. Review status: criteria provided, single submitter. Criteria: ACMG Guidelines, 2015. Collection method: clinical testing. Allele origin: germline. Affected: no.

GeneDx
Classification: Benign. Last evaluated: 2018-07-05. Review status: criteria provided, single submitter. Criteria: GeneDx Variant Classification Process June 2021. Collection method: clinical testing. Allele origin: germline. Affected: yes.
Comment: This variant is associated with the following publications: (PMID: 27259154)

Illumina Laboratory Services, Illumina
Classification: Benign for Cone-rod synaptic disorder, congenital nonprogressive. Last evaluated: 2018-01-13. Review status: criteria provided, single submitter. Criteria: ICSL Variant Classification Criteria 13 December 2019. Collection method: clinical testing. Allele origin: germline.
Comment: This variant was observed in the ICSL laboratory as part of a predisposition screen in an ostensibly healthy population. It had not been previously curated by ICSL or reported in the Human Gene Mutation Database (HGMD: prior to June 1st, 2018), and was therefore a candidate for classification through an automated scoring system. Utilizing variant allele frequency, disease prevalence and penetrance estimates, and inheritance mode, an automated score was calculated to assess if this variant is too frequent to cause the disease. Based on the score and internal cut-off values, a variant classified as benign is not then subjected to further curation. The score for this variant resulted in a classification of benign for this disease.

Breakthrough Genomics
Classification: Benign. Review status: criteria provided, single submitter. Criteria: ACMG Guidelines, 2015. Collection method: not provided. Allele origin: germline. Inheritance: Autosomal recessive inheritance. Affected: yes.

Dr. Peter K. Rogan Lab, Western University
No classification provided (evidence only). Condition: Malignant lymphoma, large B-cell, diffuse. Review status: no classification provided. Collection method: in vitro. Allele origin: not applicable. Functional consequence: skipped exon, retained intron. Not counted in ClinVar's aggregate classification.

Dr. Peter K. Rogan Lab, Western University
No classification provided (evidence only). Condition: Malignant lymphoma, large B-cell, diffuse. Review status: no classification provided. Collection method: in vitro. Allele origin: not applicable. Functional consequence: retained intron. Not counted in ClinVar's aggregate classification.

Dr. Peter K. Rogan Lab, Western University
No classification provided (evidence only). Condition: Malignant lymphoma, large B-cell, diffuse. Review status: no classification provided. Collection method: in vitro. Allele origin: not applicable. Functional consequence: skipped exon. Not counted in ClinVar's aggregate classification.

Dr. Peter K. Rogan Lab, Western University
No classification provided (evidence only). Condition: Malignant lymphoma, large B-cell, diffuse. Review status: no classification provided. Collection method: in vitro. Allele origin: not applicable. Functional consequence: retained intron. Not counted in ClinVar's aggregate classification.

Dr. Peter K. Rogan Lab, Western University
No classification provided (evidence only). Condition: Malignant lymphoma, large B-cell, diffuse. Review status: no classification provided. Collection method: in vitro. Allele origin: not applicable. Functional consequence: retained intron. Not counted in ClinVar's aggregate classification.